The following is an entry in ClinVar:

NM_000458.4(HNF1B):c.1279C>T (p.Pro427Ser)

Gene: HNF1B (HNF1 homeobox B; minus strand). Cytogenetic location: 17q12.
Variant type: single nucleotide variant.
Coding change: c.1279C>T on transcript NM_000458.4 (MANE Select); coding-DNA position 1279, C replaced by T.
Protein change: p.Pro427Ser; replaces proline 427 with serine.
Molecular consequence: missense variant.
Genome position (GRCh38, 1-based): chr17:37,704,977, G>A on the plus strand (C>T on the coding strand, the complement: HNF1B is on the minus strand). VCF-style: chr17-37704977-G-A. GRCh37 (hg19) VCF-style: chr17-36064984-G-A.
Other names: c.1201C>T, p.Pro401Ser (NM_001165923.4, NM_001304286.2); c.1279C>T, p.Pro427Ser (NM_001411100.1); short protein forms P401S, P427S.
Identifiers: ClinVar variation 1720286 (VCV001720286.5), dbSNP rs2511709741, ClinGen allele CA398757341.

ClinVar aggregate classification (germline): Uncertain significance (1 of 4 stars; one submission).

Submission:

Labcorp Genetics (formerly Invitae), Labcorp
Classification: Uncertain significance. Last evaluated: 2022-09-24. Review status: criteria provided, single submitter. Criteria: Invitae Variant Classification Sherloc (09022015). Collection method: clinical testing. Allele origin: germline.
Comment: This sequence change replaces proline, which is neutral and non-polar, with serine, which is neutral and polar, at codon 427 of the HNF1B protein (p.Pro427Ser). This variant is not present in population databases (gnomAD no frequency). This variant has not been reported in the literature in individuals affected with HNF1B-related conditions. Advanced modeling of protein sequence and biophysical properties (such as structural, functional, and spatial information, amino acid conservation, physicochemical variation, residue mobility, and thermodynamic stability) performed at Invitae indicates that this missense variant is not expected to disrupt HNF1B protein function. In summary, the available evidence is currently insufficient to determine the role of this variant in disease. Therefore, it has been classified as a Variant of Uncertain Significance.